The following is an entry in ClinVar:

NM_000075.4(CDK4):c.727T>C (p.Ser243Pro)

Genes: CDK4 (cyclin dependent kinase 4; minus strand), TSPAN31 (tetraspanin 31; plus strand). Cytogenetic location: 12q14.1.
Variant type: single nucleotide variant.
Coding change: c.727T>C on transcript NM_000075.4 (MANE Select); coding-DNA position 727, T replaced by C.
Protein change: p.Ser243Pro; replaces serine 243 with proline.
Molecular consequence: missense variant. On other transcripts: 3 prime UTR variant (3).
Genome position (GRCh38, 1-based): chr12:57,749,274, A>G on the plus strand (T>C on the coding strand, the complement: CDK4 is on the minus strand). VCF-style: chr12-57749274-A-G. GRCh37 (hg19) VCF-style: chr12-58143057-A-G.
Other names: c.*1984A>G (NM_001330168.2, NM_001330169.2, NM_005981.5); short protein forms S243P.
Identifiers: ClinVar variation 2586838 (VCV002586838.2), dbSNP rs2140382983, ClinGen allele CA385543469.

ClinVar aggregate classification (germline): Uncertain significance (1 of 4 stars; one submission).

Conditions:
Hereditary cancer-predisposing syndrome. Also called: Hereditary neoplastic syndrome; Tumor predisposition; Hereditary Cancer Syndrome; Neoplastic Syndromes, Hereditary. Identifiers: Orphanet 140162, MedGen C0027672, MeSH D009386, MONDO:0015356.

Submission:

Ambry Genetics
Classification: Uncertain significance for Hereditary cancer-predisposing syndrome. Last evaluated: 2023-07-27. Review status: criteria provided, single submitter. Criteria: Ambry Variant Classification Scheme 2023. Collection method: clinical testing. Allele origin: germline.
Comment: The p.S243P variant (also known as c.727T>C), located in coding exon 6 of the CDK4 gene, results from a T to C substitution at nucleotide position 727. The serine at codon 243 is replaced by proline, an amino acid with similar properties. This amino acid position is conserved. In addition, this alteration is predicted to be tolerated by in silico analysis. Since supporting evidence is limited at this time, the clinical significance of this alteration remains unclear.